The following is an entry in ClinVar:

NM_001002755.4(NFU1):c.485-168T>A

Gene: NFU1 (NFU1 iron-sulfur cluster scaffold; minus strand). Cytogenetic location: 2p13.3.
Variant type: single nucleotide variant.
Coding change: c.485-168T>A on transcript NM_001002755.4 (MANE Select); 168 bases into the intron before coding-DNA position 485, T replaced by A.
Molecular consequence: intron variant.
Genome position (GRCh38, 1-based): chr2:69,406,250, A>T on the plus strand (T>A on the coding strand, the complement: NFU1 is on the minus strand). VCF-style: chr2-69406250-A-T. GRCh37 (hg19) VCF-style: chr2-69633382-A-T.
Other names: c.413-168T>A (NM_015700.4, NM_001374284.1); c.62-168T>A (NM_001002756.2).
Identifiers: ClinVar variation 683210 (VCV000683210.2), dbSNP rs6546513, ClinGen allele CA15188068.

ClinVar aggregate classification (germline): Benign. Review status: criteria provided, multiple submitters, no conflicts (2 of 4 stars). 2 submissions from 2 submitters: Benign (2). Last evaluated 2018-06-14.

Allele frequency attached by ClinVar (database versions not stated): 1000 Genomes Project 0.66474; gnomAD 0.66741 and 0.67517; 1000 Genomes Project 30x 0.67099; TOPMed 0.67428.
gnomAD v4.1: 101,446 of 152,092 alleles (67%); highest among the groups gnomAD compares: African/African-American, 90%; 35,492 homozygotes.

Submissions (2):

GeneDx
Classification: Benign. Last evaluated: 2018-06-14. Review status: criteria provided, single submitter. Criteria: GeneDx Variant Classification (06012015). Collection method: clinical testing. Allele origin: germline. Affected: yes.
Comment: This variant is considered likely benign or benign based on one or more of the following criteria: it is a conservative change, it occurs at a poorly conserved position in the protein, it is predicted to be benign by multiple in silico algorithms, and/or has population frequency not consistent with disease.

Breakthrough Genomics
Classification: Benign. Review status: criteria provided, single submitter. Criteria: ACMG Guidelines, 2015. Collection method: not provided. Allele origin: germline. Inheritance: Autosomal recessive inheritance. Affected: yes.